The following is an entry in ClinVar:

ClinVar aggregate classification (germline): Likely pathogenic (1 of 4 stars; one submission).

Submission:

Dasa
Classification: Likely pathogenic. Last evaluated: 2025-01-27. Review status: criteria provided, single submitter. Criteria: DASA Assertion Criteria. Collection method: clinical testing. Allele origin: germline.
Comment: NM_005859.5(PURA):c.222C>G (p.Tyr74*) is a nonsense variant in PURA predicted to introduce a premature termination codon and is predicted to result in an absent or altered protein product. Loss of function is an established disease mechanism for PURA (PMID: 25342064; PMID: 25439098; PMID: 27148565). Also, this variant is absent from population databases. Based on the currently available evidence, this variant is classified as likely pathogenic.

Literature cited by the submitters: PubMed 25342064; PubMed 25439098; PubMed 27148565.

NM_005859.5(PURA):c.222C>G (p.Tyr74Ter)

Gene: PURA (purine rich element binding protein A; plus strand). Cytogenetic location: 5q31.3.
Variant type: single nucleotide variant.
Coding change: c.222C>G on transcript NM_005859.5 (MANE Select); coding-DNA position 222, C replaced by G.
Protein change: p.Tyr74Ter; replaces tyrosine 74 with a stop codon.
Molecular consequence: nonsense.
Genome position (GRCh38, 1-based): chr5:140,114,403, C>G. VCF-style: chr5-140114403-C-G. GRCh37 (hg19) VCF-style: chr5-139493988-C-G.
Other names: short protein forms Y74*.
Identifiers: ClinVar variation 4886663 (VCV004886663.2).